The following is an entry in ClinVar:

NM_177438.3(DICER1):c.174T>C (p.His58=)

Gene: DICER1 (dicer 1, ribonuclease III; minus strand). Cytogenetic location: 14q32.13.
Variant type: single nucleotide variant.
Coding change: c.174T>C on transcript NM_177438.3 (MANE Select); coding-DNA position 174, T replaced by C.
Protein change: p.His58=; no amino-acid change (histidine 58 retained).
Molecular consequence: synonymous variant.
Genome position (GRCh38, 1-based): chr14:95,132,648, A>G on the plus strand (T>C on the coding strand, the complement: DICER1 is on the minus strand). VCF-style: chr14-95132648-A-G. GRCh37 (hg19) VCF-style: chr14-95598985-A-G.
Other names: c.174T>C, p.His58= (NM_001195573.1, NM_001271282.3, NM_001291628.2 and 1 more transcripts).
Identifiers: ClinVar variation 700803 (VCV000700803.13), dbSNP rs1595466597, ClinGen allele CA487634136.

ClinVar aggregate classification (germline): Benign/Likely benign. Review status: criteria provided, multiple submitters, no conflicts (2 of 4 stars). 3 submissions from 3 submitters: Benign (1); Likely benign (2). Last evaluated 2026-08-18.

Conditions:
Hereditary cancer-predisposing syndrome. Also called: Hereditary neoplastic syndrome; Neoplastic Syndromes, Hereditary; Tumor predisposition; Hereditary Cancer Syndrome. Identifiers: Orphanet 140162, MedGen C0027672, MeSH D009386, MONDO:0015356.
DICER1-related tumor predisposition. Also called: DICER1 syndrome; DICER1-related pleuropulmonary blastoma cancer predisposition syndrome. Identifiers: Orphanet 284343, MedGen C3839822, MONDO:0100216.

Submissions (3):

Myriad Genetics, Inc.
Classification: Benign for DICER1-related tumor predisposition. Last evaluated: 2026-08-18. Review status: criteria provided, single submitter. Criteria: Myriad Autosomal Dominant, Autosomal Recessive and X-Linked Classification Criteria (2023). Collection method: clinical testing. Allele origin: unknown.
Comment: This variant is considered benign. This variant is a silent/synonymous amino acid change and it is not expected to impact splicing.

Labcorp Genetics (formerly Invitae), Labcorp
Classification: Likely benign for DICER1-related tumor predisposition. Last evaluated: 2022-06-08. Review status: criteria provided, single submitter. Criteria: Invitae Variant Classification Sherloc (09022015). Collection method: clinical testing. Allele origin: germline.

Ambry Genetics
Classification: Likely benign for Hereditary cancer-predisposing syndrome. Last evaluated: 2021-06-15. Review status: criteria provided, single submitter. Criteria: Ambry Variant Classification Scheme 2023. Collection method: clinical testing. Allele origin: germline.